The following is an entry in ClinVar:

ClinVar aggregate classification (germline): Uncertain significance (1 of 4 stars; one submission).

Conditions:
Hereditary spastic paraplegia 39 (SPG39). Also called: SPASTIC PARAPLEGIA 39, AUTOSOMAL RECESSIVE; Spastic Paraplegia Type 39 (SPG39). Identifiers: Orphanet 139480, MedGen C2677586, MONDO:0012787, OMIM 612020.

Submission:

Labcorp Genetics (formerly Invitae), Labcorp
Classification: Uncertain significance for Hereditary spastic paraplegia 39. Last evaluated: 2024-12-02. Review status: criteria provided, single submitter. Criteria: Invitae Variant Classification Sherloc (09022015). Collection method: clinical testing. Allele origin: germline.
Comment: This sequence change replaces alanine, which is neutral and non-polar, with proline, which is neutral and non-polar, at codon 604 of the PNPLA6 protein (p.Ala604Pro). This variant is not present in population databases (gnomAD no frequency). This variant has not been reported in the literature in individuals affected with PNPLA6-related conditions. ClinVar contains an entry for this variant (Variation ID: 2038980). Invitae Evidence Modeling of protein sequence and biophysical properties (such as structural, functional, and spatial information, amino acid conservation, physicochemical variation, residue mobility, and thermodynamic stability) has been performed for this missense variant. However, the output from this modeling did not meet the statistical confidence thresholds required to predict the impact of this variant on PNPLA6 protein function. In summary, the available evidence is currently insufficient to determine the role of this variant in disease. Therefore, it has been classified as a Variant of Uncertain Significance.

NM_001166114.2(PNPLA6):c.1927G>C (p.Ala643Pro)

Gene: PNPLA6 (patatin like domain 6, lysophospholipase; plus strand). Cytogenetic location: 19p13.2.
Variant type: single nucleotide variant.
Coding change: c.1927G>C on transcript NM_001166114.2 (MANE Select); coding-DNA position 1927, G replaced by C.
Protein change: p.Ala643Pro; replaces alanine 643 with proline.
Molecular consequence: missense variant.
Genome position (GRCh38, 1-based): chr19:7,550,410, G>C. VCF-style: chr19-7550410-G-C. GRCh37 (hg19) VCF-style: chr19-7615296-G-C.
Other names: c.1954G>C, p.Ala652Pro (NM_001166111.2); c.1732G>C, p.Ala578Pro (NM_001166112.2); c.1810G>C, p.Ala604Pro (NM_001166113.1, NM_006702.5); short protein forms A604P, A578P, A652P, A643P.
Identifiers: ClinVar variation 2038980 (VCV002038980.4), dbSNP rs2512534165, ClinGen allele CA403122865.